The following is an entry in ClinVar:

ClinVar aggregate classification (germline): Uncertain significance. Review status: criteria provided, multiple submitters, no conflicts (2 of 4 stars). 2 submissions from 2 submitters: Uncertain significance (2). Last evaluated 2025-01-23.

Conditions:
Hereditary cancer-predisposing syndrome. Also called: Neoplastic Syndromes, Hereditary; Tumor predisposition; Hereditary Cancer Syndrome; Hereditary neoplastic syndrome. Identifiers: Orphanet 140162, MedGen C0027672, MeSH D009386, MONDO:0015356.
Gastrointestinal stromal tumor. Also called: Gastrointestinal stromal tumor, somatic; Gastrointestinal stroma tumor. Identifiers: Orphanet 44890, MedGen C0238198, MeSH D046152, MONDO:0011719, OMIM 606764, HP:0100723.

Submissions (2):

Labcorp Genetics (formerly Invitae), Labcorp
Classification: Uncertain significance for Gastrointestinal stromal tumor. Last evaluated: 2025-01-23. Review status: criteria provided, single submitter. Criteria: Invitae Variant Classification Sherloc (09022015). Collection method: clinical testing. Allele origin: germline.
Comment: This sequence change replaces histidine, which is basic and polar, with tyrosine, which is neutral and polar, at codon 5 of the PDGFRA protein (p.His5Tyr). This variant is not present in population databases (gnomAD no frequency). This variant has not been reported in the literature in individuals affected with PDGFRA-related conditions. ClinVar contains an entry for this variant (Variation ID: 3225262). An algorithm developed to predict the effect of missense changes on protein structure and function (PolyPhen-2) suggests that this variant is likely to be tolerated. In summary, the available evidence is currently insufficient to determine the role of this variant in disease. Therefore, it has been classified as a Variant of Uncertain Significance.

Ambry Genetics
Classification: Uncertain significance for Hereditary cancer-predisposing syndrome. Last evaluated: 2024-01-20. Review status: criteria provided, single submitter. Criteria: Ambry Variant Classification Scheme 2023. Collection method: clinical testing. Allele origin: germline.
Comment: The p.H5Y variant (also known as c.13C>T), located in coding exon 1 of the PDGFRA gene, results from a C to T substitution at nucleotide position 13. The histidine at codon 5 is replaced by tyrosine, an amino acid with similar properties. This amino acid position is conserved. In addition, this alteration is predicted to be tolerated by in silico analysis. Based on the available evidence, the clinical significance of this alteration remains unclear.

NM_006206.6(PDGFRA):c.13C>T (p.His5Tyr)

Gene: PDGFRA (platelet derived growth factor receptor alpha; plus strand). Cytogenetic location: 4q12.
Variant type: single nucleotide variant.
Coding change: c.13C>T on transcript NM_006206.6 (MANE Select); coding-DNA position 13, C replaced by T.
Protein change: p.His5Tyr; replaces histidine 5 with tyrosine.
Molecular consequence: missense variant.
Genome position (GRCh38, 1-based): chr4:54,258,781, C>T. VCF-style: chr4-54258781-C-T. GRCh37 (hg19) VCF-style: chr4-55124948-C-T.
Other names: c.13C>T, p.His5Tyr (NM_001347827.2, NM_001347829.2); c.88C>T, p.His30Tyr (NM_001347828.2); c.52C>T, p.His18Tyr (NM_001347830.2); short protein forms H18Y, H30Y, H5Y.
Identifiers: ClinVar variation 3225262 (VCV003225262.3), dbSNP rs2475411960, ClinGen allele CA356888058.
Genomic context (GRCh38, chr4:54,258,781, plus strand): 5'-GCTAATGCTGTTTCTGTTGACTTTTGACTTTTCTAGTTTCCCAGAGCTATGGGGACTTCC[C>T]ATCCGGCGTTCCTGGTCTTAGGCTGTCTTCTCACAGGTACGGAGCCCAGTCCTCTCTGAG-3'
Protein context (NP_006197.1, residues 1-15): MGTS[His5Tyr]PAFLVLGCLL